The following is an entry in ClinVar:

ClinVar aggregate classification (germline): Uncertain significance (1 of 4 stars; one submission).

Conditions:
Imerslund-Grasbeck syndrome. Also called: ENTEROCYTE COBALAMIN MALABSORPTION; ENTEROCYTE INTRINSIC FACTOR RECEPTOR, DEFECT OF; PERNICIOUS ANEMIA, JUVENILE, DUE TO SELECTIVE INTESTINAL MALABSORPTION OF VITAMIN B12, WITH PROTEINURIA; Megaloblastic anemia due to inborn errors of metabolism; Imerslund-Gräsbeck syndrome. Identifiers: Orphanet 35858, MedGen C4551825, MONDO:0009853.

Submission:

Labcorp Genetics (formerly Invitae), Labcorp
Classification: Uncertain significance for Imerslund-Grasbeck syndrome. Last evaluated: 2024-10-21. Review status: criteria provided, single submitter. Criteria: Invitae Variant Classification Sherloc (09022015). Collection method: clinical testing. Allele origin: germline.
Comment: This sequence change replaces isoleucine, which is neutral and non-polar, with valine, which is neutral and non-polar, at codon 1833 of the CUBN protein (p.Ile1833Val). This variant is not present in population databases (gnomAD no frequency). This variant has not been reported in the literature in individuals affected with CUBN-related conditions. Invitae Evidence Modeling of protein sequence and biophysical properties (such as structural, functional, and spatial information, amino acid conservation, physicochemical variation, residue mobility, and thermodynamic stability) indicates that this missense variant is not expected to disrupt CUBN protein function with a negative predictive value of 80%. In summary, the available evidence is currently insufficient to determine the role of this variant in disease. Therefore, it has been classified as a Variant of Uncertain Significance.

NM_001081.4(CUBN):c.5497A>G (p.Ile1833Val)

Gene: CUBN (cubilin; minus strand). Cytogenetic location: 10p13.
Variant type: single nucleotide variant.
Coding change: c.5497A>G on transcript NM_001081.4 (MANE Select); coding-DNA position 5497, A replaced by G.
Protein change: p.Ile1833Val; replaces isoleucine 1833 with valine.
Molecular consequence: missense variant.
Genome position (GRCh38, 1-based): chr10:16,940,083, T>C on the plus strand (A>G on the coding strand, the complement: CUBN is on the minus strand). VCF-style: chr10-16940083-T-C. GRCh37 (hg19) VCF-style: chr10-16982082-T-C.
Other names: short protein forms I1833V.
Identifiers: ClinVar variation 3700650 (VCV003700650.2).